The following is an entry in ClinVar:

NM_000038.6(APC):c.8075C>T (p.Pro2692Leu)

Gene: APC (APC regulator of Wnt signaling pathway; plus strand). Cytogenetic location: 5q22.2.
Variant type: single nucleotide variant.
Coding change: c.8075C>T on transcript NM_000038.6 (MANE Select); coding-DNA position 8075, C replaced by T.
Protein change: p.Pro2692Leu; replaces proline 2692 with leucine.
Molecular consequence: missense variant.
Genome position (GRCh38, 1-based): chr5:112,843,669, C>T. VCF-style: chr5-112843669-C-T. GRCh37 (hg19) VCF-style: chr5-112179366-C-T.
Other names: c.8129C>T, p.Pro2710Leu (NM_001354896.2); c.8105C>T, p.Pro2702Leu (NM_001354897.2); c.7898C>T, p.Pro2633Leu (NM_001354901.2); c.8000C>T, p.Pro2667Leu (NM_001354898.2); c.7952C>T, p.Pro2651Leu (NM_001354900.2); c.7991C>T, p.Pro2664Leu (NM_001354899.2); c.8075C>T, p.Pro2692Leu (NM_001127510.3, NM_001354895.2); c.8021C>T, p.Pro2674Leu (NM_001127511.3); and 5 more; short protein forms P2674L, P2692L, P2532L, P2710L, P2601L, P2667L, P2664L, P2409L.
Identifiers: ClinVar variation 246208 (VCV000246208.16), dbSNP rs879254153, ClinGen allele CA10584267.

ClinVar aggregate classification (germline): Uncertain significance. Review status: criteria provided, multiple submitters, no conflicts (2 of 4 stars). 3 submissions from 3 submitters: Uncertain significance (3). Last evaluated 2025-02-18.

Conditions:
Hereditary cancer-predisposing syndrome. Also called: Hereditary neoplastic syndrome; Neoplastic Syndromes, Hereditary; Tumor predisposition; Hereditary Cancer Syndrome. Identifiers: Orphanet 140162, MedGen C0027672, MeSH D009386, MONDO:0015356.
Familial adenomatous polyposis 1 (FAP1). Also called: FAMILIAL ADENOMATOUS POLYPOSIS 1, ATTENUATED; POLYPOSIS, ADENOMATOUS INTESTINAL. Identifiers: MedGen C2713442, MONDO:0021056, OMIM 175100. Disease mechanism: loss of function.

Allele frequency attached by ClinVar (database versions not stated): TOPMed below 0.00001; gnomAD exomes 0.00001.

Submissions (3):

Ambry Genetics
Classification: Uncertain significance for Hereditary cancer-predisposing syndrome. Last evaluated: 2025-02-18. Review status: criteria provided, single submitter. Criteria: Ambry Variant Classification Scheme 2023. Collection method: clinical testing. Allele origin: germline.
Comment: The p.P2692L variant (also known as c.8075C>T), located in coding exon 15 of the APC gene, results from a C to T substitution at nucleotide position 8075. The proline at codon 2692 is replaced by leucine, an amino acid with similar properties. This amino acid position is not well conserved in available vertebrate species. In addition, in silico predictors for this gene do not accurately predict pathogenicity. Missense alterations in APC are not a common cause of disease (Spier I et al. Genet Med. 2024 Feb;26(2):100992). Based on the available evidence, the clinical significance of this variant remains unclear.

Labcorp Genetics (formerly Invitae), Labcorp
Classification: Uncertain significance for Familial adenomatous polyposis 1. Last evaluated: 2023-11-02. Review status: criteria provided, single submitter. Criteria: Invitae Variant Classification Sherloc (09022015). Collection method: clinical testing. Allele origin: germline.
Comment: This sequence change replaces proline, which is neutral and non-polar, with leucine, which is neutral and non-polar, at codon 2692 of the APC protein (p.Pro2692Leu). This variant is not present in population databases (gnomAD no frequency). This variant has not been reported in the literature in individuals affected with APC-related conditions. ClinVar contains an entry for this variant (Variation ID: 246208). Advanced modeling of protein sequence and biophysical properties (such as structural, functional, and spatial information, amino acid conservation, physicochemical variation, residue mobility, and thermodynamic stability) performed at Invitae indicates that this missense variant is not expected to disrupt APC protein function with a negative predictive value of 95%. In summary, the available evidence is currently insufficient to determine the role of this variant in disease. Therefore, it has been classified as a Variant of Uncertain Significance.

GeneDx
Classification: Uncertain significance. Last evaluated: 2015-12-08. Review status: criteria provided, single submitter. Criteria: GeneDx Variant Classification (06012015). Collection method: clinical testing. Allele origin: germline. Affected: yes.
Comment: This variant is denoted APC c.8075C>T at the cDNA level, p.Pro2692Leu (P2692L) at the protein level, and results in the change of a Proline to a Leucine (CCA>CTA). This variant has not, to our knowledge, been published in the literature as pathogenic or benign. APC Pro2692Leu was not observed in approximately 6,500 individuals of European and African American ancestry in the NHLBI Exome Sequencing Project, suggesting it is not a common benign variant in these populations. Since Proline and Leucine differ in some properties, this is considered a semi-conservative amino acid substitution. APC Pro2692Leu occurs at a position that is not conserved and is not located within the EBI binding domain (Azzopardi 2008). In silico analyses predict that this variant is unlikely to alter protein structure or function. Based on currently available evidence, it is unclear whether APC Pro2692Leu is a pathogenic or benign variant. We consider it to be a variant of uncertain significance.